The following is an entry in ClinVar:

ClinVar aggregate classification (germline): Uncertain significance. Review status: criteria provided, multiple submitters, no conflicts (2 of 4 stars). 2 submissions from 2 submitters: Uncertain significance (2). Last evaluated 2024-01-11.

Conditions:
Hereditary pancreatitis (PCTT). Also called: PRSS1-Related Hereditary Pancreatitis; Hereditary chronic pancreatitis. Identifiers: Orphanet 676, MedGen C0238339, MONDO:0008185, OMIM 167800.

Allele frequency attached by ClinVar (database versions not stated): TOPMed below 0.00001; gnomAD 0.00001; gnomAD exomes 0.00001 and 0.00003.
gnomAD v4.1: 38 of 1,614,008 alleles (0.0024%); highest among the groups gnomAD compares: Middle Eastern, 0.033%; no homozygotes.

Submissions (2):

Ambry Genetics
Classification: Uncertain significance for Hereditary pancreatitis. Last evaluated: 2024-01-11. Review status: criteria provided, single submitter. Criteria: Ambry Variant Classification Scheme 2023. Collection method: clinical testing. Allele origin: germline.
Comment: The p.D133H variant (also known as c.397G>C), located in coding exon 4 of the CPA1 gene, results from a G to C substitution at nucleotide position 397. The aspartic acid at codon 133 is replaced by histidine, an amino acid with similar properties. This amino acid position is highly conserved in available vertebrate species. In addition, the in silico prediction for this alteration is inconclusive. Since supporting evidence is limited at this time, the clinical significance of this alteration remains unclear.

Labcorp Genetics (formerly Invitae), Labcorp
Classification: Uncertain significance. Last evaluated: 2022-05-28. Review status: criteria provided, single submitter. Criteria: Invitae Variant Classification Sherloc (09022015). Collection method: clinical testing. Allele origin: germline.
Comment: ClinVar contains an entry for this variant (Variation ID: 1355309). This missense change has been observed in individual(s) with idiopathic chronic pancreatitis (PMID: 28497564). This variant is present in population databases (no rsID available, gnomAD 0.003%). This sequence change replaces aspartic acid, which is acidic and polar, with histidine, which is basic and polar, at codon 133 of the CPA1 protein (p.Asp133His). Algorithms developed to predict the effect of missense changes on protein structure and function are either unavailable or do not agree on the potential impact of this missense change (SIFT: "Deleterious"; PolyPhen-2: "Probably Damaging"; Align-GVGD: "Class C0"). In summary, the available evidence is currently insufficient to determine the role of this variant in disease. Therefore, it has been classified as a Variant of Uncertain Significance. Experimental studies have shown that this missense change does not substantially affect CPA1 function (PMID: 28497564).

Literature cited by the submitters: PubMed 28497564 (cited by Labcorp Genetics (formerly Invitae), Labcorp).

NM_001868.4(CPA1):c.397G>C (p.Asp133His)

Gene: CPA1 (carboxypeptidase A1; plus strand). Cytogenetic location: 7q32.2.
Variant type: single nucleotide variant.
Coding change: c.397G>C on transcript NM_001868.4 (MANE Select); coding-DNA position 397, G replaced by C.
Protein change: p.Asp133His; replaces aspartic acid 133 with histidine.
Molecular consequence: missense variant.
Genome position (GRCh38, 1-based): chr7:130,382,123, G>C. VCF-style: chr7-130382123-G-C. GRCh37 (hg19) VCF-style: chr7-130021964-G-C.
Other names: short protein forms D133H.
Identifiers: ClinVar variation 1355309 (VCV001355309.8), dbSNP rs1375640783, ClinGen allele CA369280764.